The following is an entry in ClinVar:

ClinVar aggregate classification (germline): Uncertain significance. Review status: criteria provided, multiple submitters, no conflicts (2 of 4 stars). 5 submissions from 5 submitters: Uncertain significance (4). 1 of the submissions does not count toward it. Last evaluated 2026-04-08.

Conditions:
MYO7A-related disorder. Also called: MYO7A-related disorders.
Usher syndrome type 1B (USH1B). Also called: Usher syndrome type IB. Identifiers: MedGen C1848638, MONDO:0700087.

Allele frequency attached by ClinVar (database versions not stated): TOPMed 0.00002; ExAC 0.00016; gnomAD exomes 0.00003 and 0.00002; gnomAD 0.00001.

Submissions (5):

PreventionGenetics, part of Exact Sciences
Classification: Uncertain significance for MYO7A-related condition. Last evaluated: 2026-04-08. Review status: criteria provided, single submitter. Criteria: ACMG Guidelines, 2015. Collection method: clinical testing. Allele origin: germline.
Comment: The MYO7A c.2500C>T variant is predicted to result in the amino acid substitution p.Arg834Cys. To our knowledge, this variant has not been reported in the literature. This variant is reported in 0.012% of alleles in individuals of Latino descent in gnomAD. At this time, the clinical significance of this variant is uncertain due to the absence of conclusive functional and genetic evidence.

Labcorp Genetics (formerly Invitae), Labcorp
Classification: Uncertain significance. Last evaluated: 2025-05-27. Review status: criteria provided, single submitter. Criteria: Invitae Variant Classification Sherloc (09022015). Collection method: clinical testing. Allele origin: germline.
Comment: This sequence change replaces arginine, which is basic and polar, with cysteine, which is neutral and slightly polar, at codon 834 of the MYO7A protein (p.Arg834Cys). The frequency data for this variant in the population databases is considered unreliable, as metrics indicate poor data quality at this position in the gnomAD database. This variant has not been reported in the literature in individuals affected with MYO7A-related conditions. ClinVar contains an entry for this variant (Variation ID: 851143). Invitae Evidence Modeling of protein sequence and biophysical properties (such as structural, functional, and spatial information, amino acid conservation, physicochemical variation, residue mobility, and thermodynamic stability) indicates that this missense variant is not expected to disrupt MYO7A protein function with a negative predictive value of 95%. In summary, the available evidence is currently insufficient to determine the role of this variant in disease. Therefore, it has been classified as a Variant of Uncertain Significance.

CeGaT Center for Human Genetics Tuebingen
Classification: Uncertain significance. Last evaluated: 2021-05-01. Review status: criteria provided, single submitter. Criteria: CeGaT Center For Human Genetics Tuebingen Variant Classification Criteria Version 2. Collection method: clinical testing. Allele origin: germline. Affected: yes. Observed: 1 variant allele.

Laboratory for Molecular Medicine, Mass General Brigham Personalized Medicine
Classification: Uncertain significance. Last evaluated: 2020-06-01. Review status: criteria provided, single submitter. Criteria: LMM Criteria. Collection method: clinical testing. Allele origin: germline. Observed: 1 variant allele.
Comment: The p.Arg834Cys variant in MYO7A has not been previously reported in individuals with hearing loss but has been identified in 0.012% of Latino chromosomes by gnomAD. Computational prediction tools and conservation analyses do not provide strong support for or against an impact to the protein. In summary, the clinical significance of this variant is uncertain. ACMG/AMP Criteria applied: PM2_Supporting.

Natera, Inc.
Classification: Uncertain significance for Usher syndrome type 1B. Last evaluated: 2020-03-10. Review status: no assertion criteria provided. Collection method: clinical testing. Allele origin: germline. Not counted in ClinVar's aggregate classification.

NM_000260.4(MYO7A):c.2500C>T (p.Arg834Cys)

Gene: MYO7A (myosin VIIA; plus strand). Cytogenetic location: 11q13.5.
Variant type: single nucleotide variant.
Coding change: c.2500C>T on transcript NM_000260.4 (MANE Select); coding-DNA position 2500, C replaced by T.
Protein change: p.Arg834Cys; replaces arginine 834 with cysteine.
Molecular consequence: missense variant.
Genome position (GRCh38, 1-based): chr11:77,179,867, C>T. VCF-style: chr11-77179867-C-T. GRCh37 (hg19) VCF-style: chr11-76890913-C-T.
Other names: p.(Arg834Cys); c.2500C>T, p.Arg834Cys (NM_001127180.2); c.2467C>T, p.Arg823Cys (NM_001369365.1); short protein forms R823C, R834C.
Identifiers: ClinVar variation 851143 (VCV000851143.46), dbSNP rs781869469, ClinGen allele CA6197853.